The following is an entry in ClinVar:

ClinVar aggregate classification (germline): Uncertain significance (1 of 4 stars; one submission).

Conditions:
Inborn genetic diseases. Identifiers: MedGen C0950123, MeSH D030342.

Submission:

Ambry Genetics
Classification: Uncertain significance for Inborn genetic diseases. Last evaluated: 2026-01-13. Review status: criteria provided, single submitter. Criteria: Ambry Variant Classification Scheme 2023. Collection method: clinical testing. Allele origin: germline.
Comment: The p.T625I variant (also known as c.1874C>T), located in coding exon 1 of the SAMD9 gene, results from a C to T substitution at nucleotide position 1874. The threonine at codon 625 is replaced by isoleucine, an amino acid with similar properties. This amino acid position is conserved. In addition, this alteration is predicted to be tolerated by in silico analysis. Based on the available evidence, the clinical significance of this variant remains unclear.

NM_017654.4(SAMD9):c.1874C>T (p.Thr625Ile)

Gene: SAMD9 (sterile alpha motif domain containing 9; minus strand). Cytogenetic location: 7q21.2.
Variant type: single nucleotide variant.
Coding change: c.1874C>T on transcript NM_017654.4 (MANE Select); coding-DNA position 1874, C replaced by T.
Protein change: p.Thr625Ile; replaces threonine 625 with isoleucine.
Molecular consequence: missense variant.
Genome position (GRCh38, 1-based): chr7:93,104,224, G>A on the plus strand (C>T on the coding strand, the complement: SAMD9 is on the minus strand). VCF-style: chr7-93104224-G-A. GRCh37 (hg19) VCF-style: chr7-92733537-G-A.
Other names: c.1874C>T, p.Thr625Ile (NM_001193307.2); short protein forms T625I.
Identifiers: ClinVar variation 4843144 (VCV004843144.1).
Genomic context (GRCh38, chr7:93,104,224, plus strand): 5'-TCCTTTTTCAGAAGGACAGTCGATAAACCAATAGATGGCAAAAGCCTTTTTGAAGATTGA[G>A]TCACAGATTTTAGTTTAAGAATAGTGCCATTGATCTCTTCAAGGCTTAAAGCAGAAATAC-3'
Protein context (NP_060124.2, residues 615-635): NGTILKLKSV[Thr625Ile]QSSKRLLPSI